The following is an entry in ClinVar:

ClinVar aggregate classification (germline): Benign/Likely benign. Review status: criteria provided, multiple submitters, no conflicts (2 of 4 stars). 16 submissions from 16 submitters: Benign (5); Likely benign (6). 5 of the submissions do not count toward it. Last evaluated 2026-02-04.

Conditions:
CFTR-related disorder (CFTR-RD). Also called: CFTR-related condition; CFTR-related disorders. Identifiers: MedGen C5924204, MONDO:7770004.
Cystic fibrosis (CF). Also called: MUCOVISCIDOSIS. Identifiers: Orphanet 586, MedGen C0010674, MONDO:0009061, OMIM 219700. Disease mechanism: loss of function.

Allele frequency attached by ClinVar (database versions not stated): gnomAD exomes 0.00118 and 0.00351; gnomAD 0.00119 and 0.00176; TOPMed 0.00213; ExAC 0.00291; 1000 Genomes Project 30x 0.00968; 1000 Genomes Project 0.01118.
gnomAD v4.1: 2,026 of 1,598,980 alleles (0.13%); highest among the groups gnomAD compares: East Asian, 4.2%; 41 homozygotes.

Submissions (16):

Labcorp Genetics (formerly Invitae), Labcorp
Classification: Benign for Cystic fibrosis. Last evaluated: 2026-02-04. Review status: criteria provided, single submitter. Criteria: Invitae Variant Classification Sherloc (09022015). Collection method: clinical testing. Allele origin: germline.

ARUP Laboratories, Molecular Genetics and Genomics, ARUP Laboratories
Classification: Likely benign. Last evaluated: 2025-05-19. Review status: criteria provided, single submitter. Criteria: ARUP Molecular Germline Variant Investigation Process 2024. Collection method: clinical testing. Allele origin: germline.

Blueprint Genetics
Classification: Likely benign. Last evaluated: 2024-11-19. Review status: criteria provided, single submitter. Criteria: ACMG Guidelines, 2015. Collection method: clinical testing. Allele origin: germline.

CFTR-France
Classification: Benign for CFTR-related disorders. Last evaluated: 2024-08-02. Review status: criteria provided, single submitter. Criteria: Claustres M et al. (Hum Mutat 2017). Collection method: curation. Allele origin: germline. Affected: yes and no. Observed: 2 variant alleles.

Mayo Clinic Laboratories, Mayo Clinic
Classification: Likely benign. Last evaluated: 2023-12-07. Review status: criteria provided, single submitter. Criteria: ACMG Guidelines, 2015. Collection method: clinical testing. Allele origin: germline.

Ambry Genetics
Classification: Benign for Cystic fibrosis. Last evaluated: 2022-12-08. Review status: criteria provided, single submitter. Criteria: Ambry Variant Classification Scheme 2023. Collection method: clinical testing. Allele origin: germline.

Johns Hopkins Genomics, Johns Hopkins University
Classification: Benign for Cystic fibrosis. Last evaluated: 2021-09-07. Review status: criteria provided, single submitter. Criteria: ACMG Guidelines, 2015. Collection method: clinical testing. Allele origin: germline.

Genome-Nilou Lab
Classification: Likely benign for Cystic fibrosis. Last evaluated: 2021-07-22. Review status: criteria provided, single submitter. Criteria: ACMG Guidelines, 2015. Collection method: clinical testing. Allele origin: germline. Affected: no.

Quest Diagnostics Nichols Institute San Juan Capistrano
Classification: Likely benign. Last evaluated: 2019-12-13. Review status: criteria provided, single submitter. Criteria: Quest Diagnostics criteria. Collection method: clinical testing. Allele origin: unknown.

Illumina Laboratory Services, Illumina
Classification: Likely benign for CFTR-Related Disorders. Last evaluated: 2017-04-27. Review status: criteria provided, single submitter. Criteria: ICSL Variant Classification Criteria 13 December 2019. Collection method: clinical testing. Allele origin: germline.
Comment: This variant was observed as part of a predisposition screen in an ostensibly healthy population. A literature search was performed for the gene, cDNA change, and amino acid change (where applicable). No publications were found based on this search. Allele frequency data from public databases allowed determination this variant is unlikely to cause disease. Therefore, this variant is classified as likely benign.

Eurofins Ntd Llc (ga)
Classification: Benign. Last evaluated: 2014-10-17. Review status: criteria provided, single submitter. Criteria: EGL Classification Definitions 2015. Collection method: clinical testing. Allele origin: germline. Observed: 1 variant allele, 1 heterozygote.

Natera, Inc.
Classification: Benign for CFTR-related disorders. Last evaluated: 2018-03-23. Review status: no assertion criteria provided. Collection method: clinical testing. Allele origin: germline. Not counted in ClinVar's aggregate classification.

Counsyl
Classification: Likely benign for Cystic fibrosis. Last evaluated: 2017-05-23. Review status: no assertion criteria provided. Collection method: clinical testing. Allele origin: unknown. Not counted in ClinVar's aggregate classification.

Women's Health and Genetics/Laboratory Corporation of America, LabCorp
Classification: Benign for Cystic Fibrosis. Last evaluated: 2015-08-14. Review status: no assertion criteria provided. Collection method: clinical testing. Allele origin: germline. Not counted in ClinVar's aggregate classification.

Institute of Human Genetics, University of Leipzig Medical Center
Classification: Uncertain significance for Cystic fibrosis. Last evaluated: 2022-09-05. Review status: flagged submission. Criteria: ACMG Guidelines, 2015. Collection method: curation. Allele origin: unknown. Affected: yes. Observed: 1 variant allele. Not counted in ClinVar's aggregate classification.
Comment: The variant was classified in the context of a project re-classifying variants in the German Cystic Fibrosis Registry (Muko.e.V.). Criteria applied: PM3, BS1, BS2
ClinVar note: Reason: Clinical significance appears to be a case-level interpretation inconsistent with variant classification

OMIM
Classification: Uncertain significance for RECLASSIFIED - VARIANT OF UNKNOWN SIGNIFICANCE. Last evaluated: 1994-05-15. Review status: flagged submission. Collection method: literature only. Allele origin: germline. Not counted in ClinVar's aggregate classification.
ClinVar note: Reason: Older claim that does not account for recent evidence

Literature cited by the submitters: PubMed 26089335 (cited by Quest Diagnostics Nichols Institute San Juan Capistrano); PubMed 16678503 (cited by Quest Diagnostics Nichols Institute San Juan Capistrano and Eurofins Ntd Llc (ga)); PubMed 20981092 (cited by Quest Diagnostics Nichols Institute San Juan Capistrano); PubMed 26990548 (cited by Quest Diagnostics Nichols Institute San Juan Capistrano); PubMed 21228398 (cited by Quest Diagnostics Nichols Institute San Juan Capistrano); PubMed 17981921 (cited by Quest Diagnostics Nichols Institute San Juan Capistrano); PubMed 25869325 (cited by Quest Diagnostics Nichols Institute San Juan Capistrano); PubMed 7522211 (cited by 3 submitters); PubMed 9272738 (cited by Quest Diagnostics Nichols Institute San Juan Capistrano); PubMed 25580864 (cited by Quest Diagnostics Nichols Institute San Juan Capistrano and Counsyl); PubMed 23953609 (cited by Quest Diagnostics Nichols Institute San Juan Capistrano); PubMed 18304229 (cited by Quest Diagnostics Nichols Institute San Juan Capistrano); PubMed 17539902 (cited by Quest Diagnostics Nichols Institute San Juan Capistrano); PubMed 28805948 (cited by Quest Diagnostics Nichols Institute San Juan Capistrano); PubMed 26334177 (cited by Quest Diagnostics Nichols Institute San Juan Capistrano); PubMed 26826884 (cited by Quest Diagnostics Nichols Institute San Juan Capistrano and Counsyl); PubMed 29997923 (cited by Quest Diagnostics Nichols Institute San Juan Capistrano); PubMed 26708955 (cited by Counsyl); PubMed 23810505 (cited by Counsyl); PubMed 12952861 (cited by Counsyl); PubMed 12167682 (cited by Counsyl); PubMed 1379413 (cited by OMIM).

NM_000492.4(CFTR):c.1666A>G (p.Ile556Val)

Genes: CFTR (CF transmembrane conductance regulator; plus strand), LOC111674475 (CFTR intron 11 enhancer; plus strand). Cytogenetic location: 7q31.2.
Variant type: single nucleotide variant.
Coding change: c.1666A>G on transcript NM_000492.4 (MANE Select); coding-DNA position 1666, A replaced by G.
Protein change: p.Ile556Val; replaces isoleucine 556 with valine.
Molecular consequence: missense variant.
Genome position (GRCh38, 1-based): chr7:117,587,820, A>G. VCF-style: chr7-117587820-A-G. GRCh37 (hg19) VCF-style: chr7-117227874-A-G.
Other names: short protein forms I556V.
Identifiers: ClinVar variation 7196 (VCV000007196.56), dbSNP rs75789129, ClinGen allele CA200903.